The following is an entry in ClinVar:

NM_000179.3(MSH6):c.427dup (p.Val143fs)

Gene: MSH6 (mutS homolog 6; plus strand). Cytogenetic location: 2p16.3.
Variant type: Duplication.
Coding change: c.427dup on transcript NM_000179.3 (MANE Select); coding-DNA position 427, one base duplicated (G; older notation c.427dupG).
Protein change: p.Val143fs; shifts the reading frame from valine 143.
Molecular consequence: frameshift variant. On other transcripts: 5 prime UTR variant (2), intron variant (1).
Genome position (GRCh38, 1-based): chr2:47,791,093, G duplicated; the last of 3 consecutive G bases (chr2:47,791,091-47,791,093); duplicating any one gives the same sequence. VCF-style (leftmost placement, unchanged base first): chr2-47791090-T-TG. GRCh37 (hg19) VCF-style: chr2-48018229-T-TG.
Other names: c.-310dup (NM_001281493.2); c.-476dup (NM_001281494.2); c.238-7518dup (NM_001281492.2); short protein forms V143fs.
Identifiers: ClinVar variation 1076687 (VCV001076687.10), dbSNP rs2104110751, ClinGen allele CA2499216084.
Genomic context (GRCh38, chr2:47,791,090, plus strand): 5'-GAGAAAGGGAAATCAGTCCGTGTTCATGTACAGTTTTTTGATGACAGCCCAACAAGGGGC[T>TG]GGGTTAGCAAAAGGCTTTTAAAGCCATATACAGGTAAGAGTCACTACTGCCATGTGTGTG-3'

ClinVar aggregate classification (germline): Pathogenic. Review status: criteria provided, multiple submitters, no conflicts (2 of 4 stars). 2 submissions from 2 submitters: Pathogenic (2). Last evaluated 2024-05-09.

Conditions:
Hereditary nonpolyposis colorectal neoplasms. Identifiers: MedGen C0009405, MeSH D003123.
Hereditary cancer-predisposing syndrome. Also called: Tumor predisposition; Hereditary neoplastic syndrome; Neoplastic Syndromes, Hereditary; Hereditary Cancer Syndrome. Identifiers: Orphanet 140162, MedGen C0027672, MeSH D009386, MONDO:0015356.

Submissions (2):

Ambry Genetics
Classification: Pathogenic for Hereditary cancer-predisposing syndrome. Last evaluated: 2024-05-09. Review status: criteria provided, single submitter. Criteria: Ambry Variant Classification Scheme 2023. Collection method: clinical testing. Allele origin: germline.
Comment: The c.427dupG pathogenic mutation, located in coding exon 2 of the MSH6 gene, results from a duplication of G at nucleotide position 427, causing a translational frameshift with a predicted alternate stop codon (p.V143Gfs*2). This variant is considered to be rare based on population cohorts in the Genome Aggregation Database (gnomAD). This alteration is expected to result in loss of function by premature protein truncation or nonsense-mediated mRNA decay. As such, this alteration is interpreted as a disease-causing mutation.

Labcorp Genetics (formerly Invitae), Labcorp
Classification: Pathogenic for Hereditary nonpolyposis colorectal neoplasms. Last evaluated: 2020-03-19. Review status: criteria provided, single submitter. Criteria: Invitae Variant Classification Sherloc (09022015). Collection method: clinical testing. Allele origin: germline.
Comment: For these reasons, this variant has been classified as Pathogenic. Loss-of-function variants in MSH6 are known to be pathogenic (PMID: 18269114, 24362816). This variant has not been reported in the literature in individuals with MSH6-related conditions. This sequence change creates a premature translational stop signal (p.Val143Glyfs*2) in the MSH6 gene. It is expected to result in an absent or disrupted protein product. This variant is not present in population databases (ExAC no frequency).

Literature cited by the submitters: PubMed 18269114 (cited by Labcorp Genetics (formerly Invitae), Labcorp); PubMed 24362816 (cited by Labcorp Genetics (formerly Invitae), Labcorp).